The following is an entry in ClinVar:

ClinVar aggregate classification (germline): Uncertain significance (1 of 4 stars; one submission).

Submission:

GeneDx
Classification: Uncertain significance. Last evaluated: 2024-09-19. Review status: criteria provided, single submitter. Criteria: GeneDx Variant Classification Process June 2021. Collection method: clinical testing. Allele origin: germline. Affected: yes.
Comment: Not observed at significant frequency in large population cohorts (gnomAD); In silico analysis indicates that this missense variant does not alter protein structure/function; Has not been previously published as pathogenic or benign to our knowledge

NM_001318852.2(MAPK8IP3):c.1790T>G (p.Val597Gly)

Gene: MAPK8IP3 (mitogen-activated protein kinase 8 interacting protein 3; plus strand). Cytogenetic location: 16p13.3.
Variant type: single nucleotide variant.
Coding change: c.1790T>G on transcript NM_001318852.2 (MANE Select); coding-DNA position 1790, T replaced by G.
Protein change: p.Val597Gly; replaces valine 597 with glycine.
Molecular consequence: missense variant.
Genome position (GRCh38, 1-based): chr16:1,762,898, T>G. VCF-style: chr16-1762898-T-G. GRCh37 (hg19) VCF-style: chr16-1812899-T-G.
Other names: c.1769T>G, p.Val590Gly (NM_001040439.2); c.1787T>G, p.Val596Gly (NM_015133.5); short protein forms V590G, V596G, V597G.
Identifiers: ClinVar variation 3774014 (VCV003774014.1).
Genomic context (GRCh38, chr16:1,762,898, plus strand): 5'-TCAGCCGCCTCTTCAGCTCTTCCTCCAGCCCCCCTCCGGCCAAGCGCCCCTATCCCTCGG[T>G]GAACATCCACTACAAGTCACCCACCACTGCCGGCTTCAGCCAGCGCCGCAACCATGCCAT-3'
Protein context (NP_001305781.1, residues 587-607): PPPAKRPYPS[Val597Gly]NIHYKSPTTA